The following is an entry in ClinVar:

NM_001113491.2(SEPTIN9):c.380C>T (p.Pro127Leu)

Gene: SEPTIN9 (septin 9; plus strand). Cytogenetic location: 17q25.3.
Variant type: single nucleotide variant.
Coding change: c.380C>T on transcript NM_001113491.2 (MANE Select); coding-DNA position 380, C replaced by T.
Protein change: p.Pro127Leu; replaces proline 127 with leucine.
Molecular consequence: missense variant. On other transcripts: 5 prime UTR variant (2).
Genome position (GRCh38, 1-based): chr17:77,402,362, C>T. VCF-style: chr17-77402362-C-T. GRCh37 (hg19) VCF-style: chr17-75398444-C-T.
Other names: c.-113C>T (NM_001113492.2, NM_001113494.1); c.359C>T, p.Pro120Leu (NM_001113493.2); c.323C>T, p.Pro108Leu (NM_001293695.2); c.326C>T, p.Pro109Leu (NM_006640.5); short protein forms P108L, P109L, P120L, P127L.
Identifiers: ClinVar variation 1682596 (VCV001682596.7), dbSNP rs758106177, ClinGen allele CA8793189.

ClinVar aggregate classification (germline): Uncertain significance (1 of 4 stars; one submission).

Allele frequency attached by ClinVar (database versions not stated): gnomAD exomes 0.00001; TOPMed 0.00001; ExAC 0.00002.
gnomAD v4.1: 12 of 1,612,258 alleles (0.00074%); highest among the groups gnomAD compares: South Asian, 0.0088%; no homozygotes.

Submission:

Labcorp Genetics (formerly Invitae), Labcorp
Classification: Uncertain significance. Last evaluated: 2021-03-10. Review status: criteria provided, single submitter. Criteria: Invitae Variant Classification Sherloc (09022015). Collection method: clinical testing. Allele origin: germline.
Comment: This sequence change replaces proline with leucine at codon 109 of the SEPT9 protein (p.Pro109Leu). The proline residue is weakly conserved and there is a moderate physicochemical difference between proline and leucine. The frequency data for this variant in the population databases is considered unreliable, as metrics indicate poor data quality at this position in the ExAC database. This variant has not been reported in the literature in individuals with SEPT9-related conditions. Algorithms developed to predict the effect of missense changes on protein structure and function (SIFT, PolyPhen-2, Align-GVGD) all suggest that this variant is likely to be tolerated, but these predictions have not been confirmed by published functional studies and their clinical significance is uncertain. In summary, the available evidence is currently insufficient to determine the role of this variant in disease. Therefore, it has been classified as a Variant of Uncertain Significance.